The following is an entry in ClinVar:

ClinVar aggregate classification (germline): Uncertain significance (0 of 4 stars; one submission).

Conditions:
PLXNA1-related disorder. Also called: PLXNA1-related condition.

gnomAD v4.1: 2 of 1,613,746 alleles (0.00012%); highest among the groups gnomAD compares: Non-Finnish European, 0.00017%; no homozygotes.

Submission:

PreventionGenetics, part of Exact Sciences
Classification: Uncertain significance for PLXNA1-related condition. Last evaluated: 2024-06-19. Review status: no assertion criteria provided. Collection method: clinical testing. Allele origin: germline.
Comment: The PLXNA1 c.3037T>G variant is predicted to result in the amino acid substitution p.Cys1013Gly. To our knowledge, this variant has not been reported in the literature. This variant is reported in 0.00088% of alleles in individuals of European (Non-Finnish) descent in gnomAD. At this time, the clinical significance of this variant is uncertain due to the absence of conclusive functional and genetic evidence.

NM_032242.4(PLXNA1):c.3037T>G (p.Cys1013Gly)

Gene: PLXNA1 (plexin A1; plus strand). Cytogenetic location: 3q21.3.
Variant type: single nucleotide variant.
Coding change: c.3037T>G on transcript NM_032242.4 (MANE Select); coding-DNA position 3037, T replaced by G.
Protein change: p.Cys1013Gly; replaces cysteine 1013 with glycine.
Molecular consequence: missense variant.
Genome position (GRCh38, 1-based): chr3:127,016,539, T>G. VCF-style: chr3-127016539-T-G. GRCh37 (hg19) VCF-style: chr3-126735382-T-G.
Other names: short protein forms C1013G.
Identifiers: ClinVar variation 3354668 (VCV003354668.1).